The following is an entry in ClinVar:

ClinVar aggregate classification (germline): Uncertain significance. Review status: criteria provided, multiple submitters, no conflicts (2 of 4 stars). 2 submissions from 2 submitters: Uncertain significance (2). Last evaluated 2024-11-27.

Conditions:
Marfan syndrome (MFS). Also called: MARFAN SYNDROME, TYPE I; Marfan syndrome type 1; Marfan's syndrome; FBN1-Related Marfan Syndrome; Marfan syndrome, classic. Identifiers: Orphanet 284963, Orphanet 558, MedGen C0024796, MONDO:0007947, OMIM 154700.
Familial thoracic aortic aneurysm and aortic dissection (TAAD). Also called: Thoracic aortic aneurysms and dissections. Identifiers: Orphanet 91387, MedGen C4707243, MONDO:0019625.

Submissions (2):

Labcorp Genetics (formerly Invitae), Labcorp
Classification: Uncertain significance for Marfan syndrome; Familial thoracic aortic aneurysm and aortic dissection. Last evaluated: 2024-11-27. Review status: criteria provided, single submitter. Criteria: Invitae Variant Classification Sherloc (09022015). Collection method: clinical testing. Allele origin: germline.
Comment: This sequence change replaces serine, which is neutral and polar, with phenylalanine, which is neutral and non-polar, at codon 2563 of the FBN1 protein (p.Ser2563Phe). This variant is not present in population databases (gnomAD no frequency). This variant has not been reported in the literature in individuals affected with FBN1-related conditions. Invitae Evidence Modeling of protein sequence and biophysical properties (such as structural, functional, and spatial information, amino acid conservation, physicochemical variation, residue mobility, and thermodynamic stability) indicates that this missense variant is not expected to disrupt FBN1 protein function with a negative predictive value of 95%. In summary, the available evidence is currently insufficient to determine the role of this variant in disease. Therefore, it has been classified as a Variant of Uncertain Significance.

Women's Health and Genetics/Laboratory Corporation of America, LabCorp
Classification: Uncertain significance. Last evaluated: 2024-08-28. Review status: criteria provided, single submitter. Criteria: LabCorp Variant Classification Summary - May 2015. Collection method: clinical testing. Allele origin: germline.
Comment: Variant summary: FBN1 c.7688C>T (p.Ser2563Phe) results in a non-conservative amino acid change located in the EGF-like domain (IPR000742) of the encoded protein sequence. Three of five in-silico tools predict a benign effect of the variant on protein function. The variant was absent in 249628 control chromosomes. The available data on variant occurrences in the general population are insufficient to allow any conclusion about variant significance. To our knowledge, no occurrence of c.7688C>T in individuals affected with FBN1-related conditions and no experimental evidence demonstrating its impact on protein function have been reported. No submitters have cited clinical-significance assessments for this variant to ClinVar. Based on the evidence outlined above, the variant was classified as uncertain significance.

NM_000138.5(FBN1):c.7688C>T (p.Ser2563Phe)

Gene: FBN1 (fibrillin 1; minus strand). Cytogenetic location: 15q21.1.
Variant type: single nucleotide variant.
Coding change: c.7688C>T on transcript NM_000138.5 (MANE Select); coding-DNA position 7688, C replaced by T.
Protein change: p.Ser2563Phe; replaces serine 2563 with phenylalanine.
Molecular consequence: missense variant.
Genome position (GRCh38, 1-based): chr15:48,421,569, G>A on the plus strand (C>T on the coding strand, the complement: FBN1 is on the minus strand). VCF-style: chr15-48421569-G-A. GRCh37 (hg19) VCF-style: chr15-48713766-G-A.
Other names: c.7688C>T, p.Ser2563Phe (NM_001406716.1); short protein forms S2563F.
Identifiers: ClinVar variation 3366517 (VCV003366517.3).